The following is an entry in ClinVar:

ClinVar aggregate classification (germline): Uncertain significance (1 of 4 stars; one submission).

Conditions:
Primary ciliary dyskinesia. Also called: Ciliary dyskinesia. Identifiers: Orphanet 244, MedGen C0008780, MONDO:0016575, HP:0012265.

Allele frequency attached by ClinVar (database versions not stated): gnomAD exomes below 0.00001.
gnomAD v4.1: 1 of 1,613,994 alleles (0.000062%); highest among the groups gnomAD compares: Non-Finnish European, 0.000085%; no homozygotes.

Submission:

Labcorp Genetics (formerly Invitae), Labcorp
Classification: Uncertain significance for Primary ciliary dyskinesia. Last evaluated: 2021-09-27. Review status: criteria provided, single submitter. Criteria: Invitae Variant Classification Sherloc (09022015). Collection method: clinical testing. Allele origin: germline.
Comment: This sequence change replaces isoleucine with valine at codon 735 of the DNAH8 protein (p.Ile735Val). The isoleucine residue is highly conserved and there is a small physicochemical difference between isoleucine and valine. This variant has not been reported in the literature in individuals affected with DNAH8-related conditions. This variant is not present in population databases (ExAC no frequency). In summary, the available evidence is currently insufficient to determine the role of this variant in disease. Therefore, it has been classified as a Variant of Uncertain Significance. Algorithms developed to predict the effect of missense changes on protein structure and function are either unavailable or do not agree on the potential impact of this missense change (SIFT: "Deleterious"; PolyPhen-2: "Not Available"; Align-GVGD: "Class C0").

NM_001206927.2(DNAH8):c.2203A>G (p.Ile735Val)

Gene: DNAH8 (dynein axonemal heavy chain 8; plus strand). Cytogenetic location: 6p21.2.
Variant type: single nucleotide variant.
Coding change: c.2203A>G on transcript NM_001206927.2 (MANE Select); coding-DNA position 2203, A replaced by G.
Protein change: p.Ile735Val; replaces isoleucine 735 with valine.
Molecular consequence: missense variant.
Genome position (GRCh38, 1-based): chr6:38,781,317, A>G. VCF-style: chr6-38781317-A-G. GRCh37 (hg19) VCF-style: chr6-38749093-A-G.
Other names: c.1552A>G, p.Ile518Val (NM_001371.4); short protein forms I735V, I518V.
Identifiers: ClinVar variation 1495577 (VCV001495577.6), dbSNP rs2127639812, ClinGen allele CA363989202.
Genomic context (GRCh38, chr6:38,781,317, plus strand): 5'-TATCATTCTCAGAAAGATGACCCCCCTCTTGCTCGCAACATGCCCCCTATAGCAGGAAAA[A>G]TACTCTGGGTGAGGCAGCTCTATCGCCGGATAAGTGAGCCCATCAATTATTTCTTTGTAA-3'
Protein context (NP_001193856.1, residues 725-745): ARNMPPIAGK[Ile735Val]LWVRQLYRRI